The following is an entry in ClinVar:

NM_017617.5(NOTCH1):c.6629T>G (p.Leu2210Arg)

Gene: NOTCH1 (notch receptor 1; minus strand). Cytogenetic location: 9q34.3.
Variant type: single nucleotide variant.
Coding change: c.6629T>G on transcript NM_017617.5 (MANE Select); coding-DNA position 6629, T replaced by G.
Protein change: p.Leu2210Arg; replaces leucine 2210 with arginine.
Molecular consequence: missense variant.
Genome position (GRCh38, 1-based): chr9:136,497,110, A>C on the plus strand (T>G on the coding strand, the complement: NOTCH1 is on the minus strand). VCF-style: chr9-136497110-A-C. GRCh37 (hg19) VCF-style: chr9-139391562-A-C.
Other names: short protein forms L2210R.
Identifiers: ClinVar variation 3226985 (VCV003226985.1), dbSNP rs1351388102, ClinGen allele CA375631020.

ClinVar aggregate classification (germline): Uncertain significance (1 of 4 stars; one submission).

Conditions:
Familial thoracic aortic aneurysm and aortic dissection (TAAD). Also called: Thoracic aortic aneurysms and dissections. Identifiers: Orphanet 91387, MedGen C4707243, MONDO:0019625.

Submission:

Ambry Genetics
Classification: Uncertain significance for Familial thoracic aortic aneurysm and aortic dissection. Last evaluated: 2023-11-27. Review status: criteria provided, single submitter. Criteria: Ambry Variant Classification Scheme 2023. Collection method: clinical testing. Allele origin: germline.
Comment: The p.L2210R variant (also known as c.6629T>G), located in coding exon 34 of the NOTCH1 gene, results from a T to G substitution at nucleotide position 6629. The leucine at codon 2210 is replaced by arginine, an amino acid with dissimilar properties. This amino acid position is conserved. In addition, the in silico prediction for this alteration is inconclusive. Since supporting evidence is limited at this time, the clinical significance of this alteration remains unclear.